The following is an entry in ClinVar:

ClinVar aggregate classification (germline): Uncertain significance (1 of 4 stars; one submission).

Conditions:
Dilated Cardiomyopathy, Dominant.
Myofibrillar myopathy 5. Also called: FILAMINOPATHY, AUTOSOMAL DOMINANT; Filaminopathy (type). Identifiers: Orphanet 171445, MedGen C1836050, MONDO:0012289, OMIM 609524.
Distal myopathy with posterior leg and anterior hand involvement. Also called: WILLIAMS DISTAL MYOPATHY. Identifiers: Orphanet 63273, MedGen C3279722, MONDO:0013550, OMIM 614065.
Hypertrophic cardiomyopathy 26. Also called: Cardiomyopathy, familial hypertrophic, 26. Identifiers: Orphanet 75249, MedGen C4310749, MONDO:0014883, OMIM 617047.

Allele frequency attached by ClinVar (database versions not stated): gnomAD exomes below 0.00001; gnomAD 0.00001.

Submission:

Labcorp Genetics (formerly Invitae), Labcorp
Classification: Uncertain significance for Distal myopathy with posterior leg and anterior hand involvement; Myofibrillar myopathy 5; Hypertrophic cardiomyopathy 26. Last evaluated: 2024-05-14. Review status: criteria provided, single submitter. Criteria: Invitae Variant Classification Sherloc (09022015). Collection method: clinical testing. Allele origin: germline.
Comment: This sequence change replaces isoleucine, which is neutral and non-polar, with valine, which is neutral and non-polar, at codon 1040 of the FLNC protein (p.Ile1040Val). This variant is present in population databases (rs759012932, gnomAD 0.006%). This variant has not been reported in the literature in individuals affected with FLNC-related conditions. ClinVar contains an entry for this variant (Variation ID: 966588). Algorithms developed to predict the effect of missense changes on protein structure and function output the following: SIFT: "Not Available"; PolyPhen-2: "Benign"; Align-GVGD: "Not Available". The valine amino acid residue is found in multiple mammalian species, which suggests that this missense change does not adversely affect protein function. In summary, the available evidence is currently insufficient to determine the role of this variant in disease. Therefore, it has been classified as a Variant of Uncertain Significance.

NM_001458.5(FLNC):c.3118A>G (p.Ile1040Val)

Gene: FLNC (filamin C; plus strand). Cytogenetic location: 7q32.1.
Variant type: single nucleotide variant.
Coding change: c.3118A>G on transcript NM_001458.5 (MANE Select); coding-DNA position 3118, A replaced by G.
Protein change: p.Ile1040Val; replaces isoleucine 1040 with valine.
Molecular consequence: missense variant.
Genome position (GRCh38, 1-based): chr7:128,844,192, A>G. VCF-style: chr7-128844192-A-G. GRCh37 (hg19) VCF-style: chr7-128484246-A-G.
Other names: c.3118A>G, p.Ile1040Val (NM_001127487.2); short protein forms I1040V.
Identifiers: ClinVar variation 966588 (VCV000966588.8), dbSNP rs759012932, ClinGen allele CA166177796.